The following is an entry in ClinVar:

ClinVar aggregate classification (germline): Uncertain significance (1 of 4 stars; one submission).

Conditions:
Neurodevelopmental disorder with progressive spasticity and brain white matter abnormalities. Also called: CEREBRAL PALSY, SPASTIC QUADRIPLEGIC, 1. Identifiers: Orphanet 210141, Orphanet 641353, MedGen C5436628, MONDO:0033613, OMIM 619026.

Allele frequency attached by ClinVar (database versions not stated): gnomAD exomes below 0.00001.
gnomAD v4.1: 2 of 1,614,214 alleles (0.00012%); highest among the groups gnomAD compares: Non-Finnish European, 0.00017%; no homozygotes.

Submission:

Labcorp Genetics (formerly Invitae), Labcorp
Classification: Uncertain significance for Neurodevelopmental disorder with progressive spasticity and brain white matter abnormalities. Last evaluated: 2024-03-12. Review status: criteria provided, single submitter. Criteria: Invitae Variant Classification Sherloc (09022015). Collection method: clinical testing. Allele origin: germline.
Comment: This sequence change replaces serine, which is neutral and polar, with leucine, which is neutral and non-polar, at codon 13 of the GAD1 protein (p.Ser13Leu). This variant is not present in population databases (gnomAD no frequency). This variant has not been reported in the literature in individuals affected with GAD1-related conditions. Experimental studies and prediction algorithms are not available or were not evaluated, and the functional significance of this variant is currently unknown. In summary, the available evidence is currently insufficient to determine the role of this variant in disease. Therefore, it has been classified as a Variant of Uncertain Significance.

NM_000817.3(GAD1):c.38C>T (p.Ser13Leu)

Genes: GAD1 (glutamate decarboxylase 1; plus strand), GAD1-AS1 (GAD1 antisense RNA 1; minus strand). Cytogenetic location: 2q31.1.
Variant type: single nucleotide variant.
Coding change: c.38C>T on transcript NM_000817.3 (MANE Select); coding-DNA position 38, C replaced by T.
Protein change: p.Ser13Leu; replaces serine 13 with leucine.
Molecular consequence: missense variant.
Genome position (GRCh38, 1-based): chr2:170,818,629, C>T. VCF-style: chr2-170818629-C-T. GRCh37 (hg19) VCF-style: chr2-171675139-C-T.
Other names: c.38C>T, p.Ser13Leu (NM_013445.4); short protein forms S13L.
Identifiers: ClinVar variation 2826230 (VCV002826230.3), dbSNP rs2468297154, ClinGen allele CA349269096.